The following is an entry in ClinVar:

NM_000075.4(CDK4):c.219-3C>A

Gene: CDK4 (cyclin dependent kinase 4; minus strand). Cytogenetic location: 12q14.1.
Variant type: single nucleotide variant.
Coding change: c.219-3C>A on transcript NM_000075.4 (MANE Select); 3 bases into the intron before coding-DNA position 219, C replaced by A.
Molecular consequence: intron variant.
Genome position (GRCh38, 1-based): chr12:57,751,345, G>T on the plus strand (C>A on the coding strand, the complement: CDK4 is on the minus strand). VCF-style: chr12-57751345-G-T. GRCh37 (hg19) VCF-style: chr12-58145128-G-T.
Identifiers: ClinVar variation 1787449 (VCV001787449.2), dbSNP rs2140387621, ClinGen allele CA2580086660.

ClinVar aggregate classification (germline): Uncertain significance (1 of 4 stars; one submission).

Conditions:
Hereditary cancer-predisposing syndrome. Also called: Neoplastic Syndromes, Hereditary; Tumor predisposition; Hereditary Cancer Syndrome; Hereditary neoplastic syndrome. Identifiers: Orphanet 140162, MedGen C0027672, MeSH D009386, MONDO:0015356.

Allele frequency attached by ClinVar (database versions not stated): gnomAD exomes below 0.00001.
gnomAD v4.1: 1 of 1,613,948 alleles (0.000062%); highest among the groups gnomAD compares: South Asian, 0.0011%; no homozygotes.

Submission:

Ambry Genetics
Classification: Uncertain significance for Hereditary cancer-predisposing syndrome. Last evaluated: 2022-04-11. Review status: criteria provided, single submitter. Criteria: Ambry Variant Classification Scheme 2023. Collection method: clinical testing. Allele origin: germline.
Comment: The c.219-3C>A intronic variant results from a C to A substitution 3 nucleotides upstream from coding exon 2 in the CDK4 gene. This nucleotide position is well conserved in available vertebrate species. In silico splice site analysis predicts that this alteration may weaken the native splice acceptor site. Since supporting evidence is limited at this time, the clinical significance of this alteration remains unclear.